The following is an entry in ClinVar:

NM_032861.4(SERAC1):c.21C>G (p.Cys7Trp)

Gene: SERAC1 (serine active site containing 1; minus strand). Cytogenetic location: 6q25.3.
Variant type: single nucleotide variant.
Coding change: c.21C>G on transcript NM_032861.4 (MANE Select); coding-DNA position 21, C replaced by G.
Protein change: p.Cys7Trp; replaces cysteine 7 with tryptophan.
Molecular consequence: missense variant. On other transcripts: non-coding transcript variant (1).
Genome position (GRCh38, 1-based): chr6:158,158,343, G>C on the plus strand (C>G on the coding strand, the complement: SERAC1 is on the minus strand). VCF-style: chr6-158158343-G-C. GRCh37 (hg19) VCF-style: chr6-158579375-G-C.
Other names: p.C7W:TGC>TGG; short protein forms C7W.
Identifiers: ClinVar variation 215139 (VCV000215139.11), dbSNP rs139301835, ClinGen allele CA325378.

ClinVar aggregate classification (germline): Conflicting classifications of pathogenicity. Review status: criteria provided, conflicting classifications (1 of 4 stars). 7 submissions from 7 submitters: Likely pathogenic (1); Uncertain significance (6). Last evaluated 2026-06-30.

Conditions:
SERAC1-related disorder. Also called: SERAC1-related condition; SERAC1-related disorders.
Inborn genetic diseases. Identifiers: MedGen C0950123, MeSH D030342.
3-methylglutaconic aciduria with deafness, encephalopathy, and Leigh-like syndrome (MEGDEL). Also called: 3-METHYLGLUTACONIC ACIDURIA, TYPE VI; MEGDEL syndrome; SERAC1 Deficiency. Identifiers: Orphanet 352328, MedGen C4040739, MONDO:0013875, OMIM 614739.

Allele frequency attached by ClinVar (database versions not stated): 1000 Genomes Project 30x 0.00016; ESP Exome Variant Server 0.00031; TOPMed 0.00036.
gnomAD v4.1: 860 of 1,613,298 alleles (0.053%); highest among the groups gnomAD compares: South Asian, 0.17%; 1 homozygote.

Submissions (7):

PreventionGenetics, part of Exact Sciences
Classification: Uncertain significance for SERAC1-related condition. Last evaluated: 2026-06-30. Review status: criteria provided, single submitter. Criteria: ACMG Guidelines, 2015. Collection method: clinical testing. Allele origin: germline.
Comment: The SERAC1 c.21C>G variant is predicted to result in the amino acid substitution p.Cys7Trp. To our knowledge, this variant has not been reported in the literature. This variant is reported in 0.12% of alleles in individuals of South Asian descent in gnomAD. Although we suspect that this variant may be benign, at this time, the clinical significance of this variant is uncertain due to the absence of conclusive functional and genetic evidence.

Labcorp Genetics (formerly Invitae), Labcorp
Classification: Uncertain significance for 3-methylglutaconic aciduria with deafness, encephalopathy, and Leigh-like syndrome. Last evaluated: 2024-01-22. Review status: criteria provided, single submitter. Criteria: Invitae Variant Classification Sherloc (09022015). Collection method: clinical testing. Allele origin: germline.
Comment: This sequence change replaces cysteine, which is neutral and slightly polar, with tryptophan, which is neutral and slightly polar, at codon 7 of the SERAC1 protein (p.Cys7Trp). This variant is present in population databases (rs139301835, gnomAD 0.1%), including at least one homozygous and/or hemizygous individual. This variant has not been reported in the literature in individuals affected with SERAC1-related conditions. ClinVar contains an entry for this variant (Variation ID: 215139). An algorithm developed to predict the effect of missense changes on protein structure and function (PolyPhen-2) suggests that this variant is likely to be disruptive. In summary, the available evidence is currently insufficient to determine the role of this variant in disease. Therefore, it has been classified as a Variant of Uncertain Significance.

Ambry Genetics
Classification: Uncertain significance for Inborn genetic diseases. Last evaluated: 2022-05-05. Review status: criteria provided, single submitter. Criteria: Ambry Variant Classification Scheme 2023. Collection method: clinical testing. Allele origin: germline.

Baylor Genetics
Classification: Uncertain significance for 3-methylglutaconic aciduria with deafness, encephalopathy, and Leigh-like syndrome. Last evaluated: 2020-05-05. Review status: criteria provided, single submitter. Criteria: ACMG Guidelines, 2015. Collection method: clinical testing. Allele origin: unknown. Affected: yes.
Comment: This variant was determined to be of uncertain significance according to ACMG Guidelines, 2015 [PMID:25741868].

Revvity Omics, Revvity
Classification: Uncertain significance for 3-methylglutaconic aciduria with deafness, encephalopathy, and Leigh-like syndrome. Last evaluated: 2019-10-09. Review status: criteria provided, single submitter. Criteria: ACMG Guidelines, 2015. Collection method: clinical testing. Allele origin: germline.

Mendelics
Classification: Uncertain significance for 3-methylglutaconic aciduria with deafness, encephalopathy, and Leigh-like syndrome. Last evaluated: 2019-05-28. Review status: criteria provided, single submitter. Criteria: Mendelics Assertion Criteria 2017. Collection method: clinical testing. Allele origin: unknown.

GeneDx
Classification: Likely pathogenic. Last evaluated: 2014-05-02. Review status: criteria provided, single submitter. Criteria: GeneDx Variant Classification (06012015). Collection method: clinical testing. Allele origin: germline. Affected: yes.
Comment: p.Cys7Trp (TGC>TGG): c.21 C>G in exon 2 of the SERAC1 gene (NM_032861.3) A C7W variant that is likely pathogenic was identified in the SERAC1 gene. It has not been published as a mutation, nor has it been reported as a benign polymorphism to our knowledge. The C7W variant is a non-conservative amino acid substitution, which is likely to impact secondary protein structure as these residues differ in polarity, charge, size and/or other properties. This substitution occurs at a position that is highly conserved across species. In silico analysis predicts this variant is probably damaging to the protein structure/function. Therefore, this variant is a strong candidate for a pathogenic mutation, however the possibility that it is a benign variant cannot be excluded.The variant is found in MITONUC-MITOP panel(s).